The following is an entry in ClinVar:

NM_032119.4(ADGRV1):c.11776A>G (p.Thr3926Ala)

Gene: ADGRV1 (adhesion G protein-coupled receptor V1; plus strand). Cytogenetic location: 5q14.3.
Variant type: single nucleotide variant.
Coding change: c.11776A>G on transcript NM_032119.4 (MANE Select); coding-DNA position 11776, A replaced by G.
Protein change: p.Thr3926Ala; replaces threonine 3926 with alanine.
Molecular consequence: missense variant. On other transcripts: non-coding transcript variant (1).
Genome position (GRCh38, 1-based): chr5:90,756,997, A>G. VCF-style: chr5-90756997-A-G. GRCh37 (hg19) VCF-style: chr5-90052814-A-G.
Other names: short protein forms T3926A.
Identifiers: ClinVar variation 1507870 (VCV001507870.3), dbSNP rs2149983562, ClinGen allele CA360370843.
Genomic context (GRCh38, chr5:90,756,997, plus strand): 5'-TACCATTTTATCTTGCCTTTCAATTATATTCTTTACTTAAAGGGCGCTGGGGAAGTTATT[A>G]CTGCCTATGAGGTGCCTCCACCCTTGAACGTTCTTCAAGTTCCTGTAGTCCGGCTGGCTG-3'
Protein context (NP_115495.3, residues 3916-3936): HVTRGAGEVI[Thr3926Ala]AYEVPPPLNV

ClinVar aggregate classification (germline): Uncertain significance (1 of 4 stars; one submission).

gnomAD v4.1: 2 of 1,605,044 alleles (0.00012%); highest among the groups gnomAD compares: Middle Eastern, 0.017%; no homozygotes.

Submission:

Labcorp Genetics (formerly Invitae), Labcorp
Classification: Uncertain significance. Last evaluated: 2022-03-10. Review status: criteria provided, single submitter. Criteria: Invitae Variant Classification Sherloc (09022015). Collection method: clinical testing. Allele origin: germline.
Comment: This sequence change replaces threonine, which is neutral and polar, with alanine, which is neutral and non-polar, at codon 3926 of the ADGRV1 protein (p.Thr3926Ala). This variant is not present in population databases (gnomAD no frequency). This variant has not been reported in the literature in individuals affected with ADGRV1-related conditions. Algorithms developed to predict the effect of missense changes on protein structure and function output the following: SIFT: "Tolerated"; PolyPhen-2: "Probably Damaging"; Align-GVGD: "Class C0". The alanine amino acid residue is found in multiple mammalian species, which suggests that this missense change does not adversely affect protein function. In summary, the available evidence is currently insufficient to determine the role of this variant in disease. Therefore, it has been classified as a Variant of Uncertain Significance.